The following is an entry in ClinVar:

NM_000138.5(FBN1):c.3450C>G (p.Ile1150Met)

Gene: FBN1 (fibrillin 1; minus strand). Cytogenetic location: 15q21.1.
Variant type: single nucleotide variant.
Coding change: c.3450C>G on transcript NM_000138.5 (MANE Select); coding-DNA position 3450, C replaced by G.
Protein change: p.Ile1150Met; replaces isoleucine 1150 with methionine.
Molecular consequence: missense variant.
Genome position (GRCh38, 1-based): chr15:48,487,325, G>C on the plus strand (C>G on the coding strand, the complement: FBN1 is on the minus strand). VCF-style: chr15-48487325-G-C. GRCh37 (hg19) VCF-style: chr15-48779522-G-C.
Other names: c.3450C>G, p.Ile1150Met (NM_001406716.1); short protein forms I1150M.
Identifiers: ClinVar variation 3075140 (VCV003075140.3), dbSNP rs1489879961, ClinGen allele CA392326161.

ClinVar aggregate classification (germline): Uncertain significance. Review status: criteria provided, multiple submitters, no conflicts (2 of 4 stars). 2 submissions from 2 submitters: Uncertain significance (2). Last evaluated 2024-04-29.

Conditions:
Marfan syndrome (MFS). Also called: MARFAN SYNDROME, TYPE I; Marfan syndrome type 1; Marfan's syndrome; Marfan syndrome, classic; FBN1-Related Marfan Syndrome. Identifiers: Orphanet 284963, Orphanet 558, MedGen C0024796, MONDO:0007947, OMIM 154700.
Familial thoracic aortic aneurysm and aortic dissection (TAAD). Also called: Thoracic aortic aneurysms and dissections. Identifiers: Orphanet 91387, MedGen C4707243, MONDO:0019625.

Submissions (2):

Labcorp Genetics (formerly Invitae), Labcorp
Classification: Uncertain significance for Marfan syndrome; Familial thoracic aortic aneurysm and aortic dissection. Last evaluated: 2024-04-29. Review status: criteria provided, single submitter. Criteria: Invitae Variant Classification Sherloc (09022015). Collection method: clinical testing. Allele origin: germline.
Comment: This sequence change replaces isoleucine, which is neutral and non-polar, with methionine, which is neutral and non-polar, at codon 1150 of the FBN1 protein (p.Ile1150Met). This variant is not present in population databases (gnomAD no frequency). This variant has not been reported in the literature in individuals affected with FBN1-related conditions. Advanced modeling of protein sequence and biophysical properties (such as structural, functional, and spatial information, amino acid conservation, physicochemical variation, residue mobility, and thermodynamic stability) performed at Invitae indicates that this missense variant is not expected to disrupt FBN1 protein function with a negative predictive value of 95%. In summary, the available evidence is currently insufficient to determine the role of this variant in disease. Therefore, it has been classified as a Variant of Uncertain Significance.

All of Us Research Program, National Institutes of Health
Classification: Uncertain significance for Marfan syndrome. Last evaluated: 2023-12-18. Review status: criteria provided, single submitter. Criteria: ACMG Guidelines, 2015. Collection method: clinical testing. Allele origin: germline. Inheritance: Autosomal dominant inheritance. Observed: 1 variant allele, 1 heterozygote.
Comment: This missense variant replaces isoleucine with methionine at codon 1150 of the FBN1 protein. Computational prediction suggests that this variant may not impact protein structure and function (internally defined REVEL score threshold <= 0.5, PMID: 27666373). To our knowledge, functional studies have not been reported for this variant. This variant has not been reported in individuals affected with FBN1-related disorders in the literature. This variant has not been identified in the general population by the Genome Aggregation Database (gnomAD). The available evidence is insufficient to determine the role of this variant in disease conclusively. Therefore, this variant is classified as a Variant of Uncertain Significance.

This study involves interpretation of variants in research participants for the purpose of population health screening. Participant phenotype was not available at the time of variant classification. Additional details can be found in publication PMID: 35346344, PMCID: PMC8962531